The following is an entry in ClinVar:

ClinVar aggregate classification (germline): Uncertain significance (1 of 4 stars; one submission).

Conditions:
MEGF10-related myopathy (CMYO10A). Also called: Congenital myopathy 10A, severe variant. Identifiers: Orphanet 439212, MedGen C3280679, MONDO:0013731, OMIM 614399.

Allele frequency attached by ClinVar (database versions not stated): gnomAD 0.00001; TOPMed 0.00001; ExAC 0.00002; gnomAD exomes 0.00002.
gnomAD v4.1: 41 of 1,613,220 alleles (0.0025%); highest among the groups gnomAD compares: Non-Finnish European, 0.003%; no homozygotes.

Submission:

Labcorp Genetics (formerly Invitae), Labcorp
Classification: Uncertain significance for MEGF10-related myopathy. Last evaluated: 2021-09-01. Review status: criteria provided, single submitter. Criteria: Invitae Variant Classification Sherloc (09022015). Collection method: clinical testing. Allele origin: germline.
Comment: This sequence change replaces asparagine with serine at codon 991 of the MEGF10 protein (p.Asn991Ser). The asparagine residue is highly conserved and there is a small physicochemical difference between asparagine and serine. This variant is present in population databases (rs756511139, ExAC 0.009%). This variant has not been reported in the literature in individuals affected with MEGF10-related conditions. Algorithms developed to predict the effect of missense changes on protein structure and function (SIFT, PolyPhen-2, Align-GVGD) all suggest that this variant is likely to be tolerated. In summary, the available evidence is currently insufficient to determine the role of this variant in disease. Therefore, it has been classified as a Variant of Uncertain Significance.

NM_001256545.2(MEGF10):c.2972A>G (p.Asn991Ser)

Gene: MEGF10 (multiple EGF like domains 10; plus strand). Cytogenetic location: 5q23.2.
Variant type: single nucleotide variant.
Coding change: c.2972A>G on transcript NM_001256545.2 (MANE Select); coding-DNA position 2972, A replaced by G.
Protein change: p.Asn991Ser; replaces asparagine 991 with serine.
Molecular consequence: missense variant.
Genome position (GRCh38, 1-based): chr5:127,449,214, A>G. VCF-style: chr5-127449214-A-G. GRCh37 (hg19) VCF-style: chr5-126784906-A-G.
Other names: c.2972A>G, p.Asn991Ser (NM_032446.3); short protein forms N991S.
Identifiers: ClinVar variation 1059212 (VCV001059212.6), dbSNP rs756511139, ClinGen allele CA3392078.